The following is an entry in ClinVar:

NM_000094.4(COL7A1):c.3301C>T (p.Arg1101Trp)

Gene: COL7A1 (collagen type VII alpha 1 chain; minus strand). Cytogenetic location: 3p21.31.
Variant type: single nucleotide variant.
Coding change: c.3301C>T on transcript NM_000094.4 (MANE Select); coding-DNA position 3301, C replaced by T.
Protein change: p.Arg1101Trp; replaces arginine 1101 with tryptophan.
Molecular consequence: missense variant.
Genome position (GRCh38, 1-based): chr3:48,586,665, G>A on the plus strand (C>T on the coding strand, the complement: COL7A1 is on the minus strand). VCF-style: chr3-48586665-G-A. GRCh37 (hg19) VCF-style: chr3-48624098-G-A.
Other names: short protein forms R1101W.
Identifiers: ClinVar variation 1437233 (VCV001437233.9), dbSNP rs777235438, ClinGen allele CA2380567.

ClinVar aggregate classification (germline): Uncertain significance. Review status: criteria provided, multiple submitters, no conflicts (2 of 4 stars). 2 submissions from 2 submitters: Uncertain significance (2). Last evaluated 2024-08-13.

Allele frequency attached by ClinVar (database versions not stated): TOPMed below 0.00001; ExAC 0.00001; gnomAD 0.00001; gnomAD exomes 0.00001.
gnomAD v4.1: 12 of 1,605,492 alleles (0.00075%); highest among the groups gnomAD compares: African/African-American, 0.0027%; no homozygotes.

Submissions (2):

Women's Health and Genetics/Laboratory Corporation of America, LabCorp
Classification: Uncertain significance. Last evaluated: 2024-08-13. Review status: criteria provided, single submitter. Criteria: LabCorp Variant Classification Summary - May 2015. Collection method: clinical testing. Allele origin: germline.
Comment: Variant summary: COL7A1 c.3301C>T (p.Arg1101Trp) results in a non-conservative amino acid change located in the von Willebrand factor, type A domain (IPR002035) of the encoded protein sequence. Five of five in-silico tools predict a damaging effect of the variant on protein function. The variant allele was found at a frequency of 8.6e-06 in 233144 control chromosomes (gnomAD). The available data on variant occurrences in the general population are insufficient to allow any conclusion about variant significance. c.3301C>T has been reported in the literature in at least an individual affected with recessive dystrophic epidermolysis bullosa pruriginosa. These data do not allow any conclusion about variant significance. To our knowledge, no experimental evidence demonstrating an impact on protein function has been reported. The following publication has been ascertained in the context of this evaluation (PMID: 38061702). ClinVar contains an entry for this variant (Variation ID: 1437233). Based on the evidence outlined above, the variant was classified as uncertain significance.

Labcorp Genetics (formerly Invitae), Labcorp
Classification: Uncertain significance. Last evaluated: 2024-03-09. Review status: criteria provided, single submitter. Criteria: Invitae Variant Classification Sherloc (09022015). Collection method: clinical testing. Allele origin: germline.
Comment: This sequence change replaces arginine, which is basic and polar, with tryptophan, which is neutral and slightly polar, at codon 1101 of the COL7A1 protein (p.Arg1101Trp). The frequency data for this variant in the population databases is considered unreliable, as metrics indicate poor data quality at this position in the gnomAD database. This variant has not been reported in the literature in individuals affected with COL7A1-related conditions. ClinVar contains an entry for this variant (Variation ID: 1437233). Advanced modeling of protein sequence and biophysical properties (such as structural, functional, and spatial information, amino acid conservation, physicochemical variation, residue mobility, and thermodynamic stability) has been performed at Invitae for this missense variant, however the output from this modeling did not meet the statistical confidence thresholds required to predict the impact of this variant on COL7A1 protein function. In summary, the available evidence is currently insufficient to determine the role of this variant in disease. Therefore, it has been classified as a Variant of Uncertain Significance.

Literature cited by the submitters: PubMed 38061702 (cited by Women's Health and Genetics/Laboratory Corporation of America, LabCorp).